The following is an entry in ClinVar:

NM_001080466.2(BTBD17):c.783A>T (p.Pro261=)

Gene: BTBD17 (BTB domain containing 17; minus strand). Cytogenetic location: 17q25.1.
Variant type: single nucleotide variant.
Coding change: c.783A>T on transcript NM_001080466.2 (MANE Select); coding-DNA position 783, A replaced by T.
Protein change: p.Pro261=; no amino-acid change (proline 261 retained).
Molecular consequence: synonymous variant.
Genome position (GRCh38, 1-based): chr17:74,357,311, T>A on the plus strand (A>T on the coding strand, the complement: BTBD17 is on the minus strand). VCF-style: chr17-74357311-T-A. GRCh37 (hg19) VCF-style: chr17-72353450-T-A.
Identifiers: ClinVar variation 3250795 (VCV003250795.18), dbSNP rs2054902189.

ClinVar aggregate classification (germline): Likely benign (1 of 4 stars; one submission).

Submission:

CeGaT Center for Human Genetics Tuebingen
Classification: Likely benign. Last evaluated: 2026-08-01. Review status: criteria provided, single submitter. Criteria: CeGaT Center For Human Genetics Tuebingen Variant Classification Criteria Version 2. Collection method: clinical testing. Allele origin: germline. Affected: yes. Observed: 4 variant alleles.
Comment: BTBD17: PM2:Supporting, BP4, BP7